The following is an entry in ClinVar:

ClinVar aggregate classification (germline): Pathogenic (1 of 4 stars; one submission).

Conditions:
Marfan syndrome (MFS). Also called: MARFAN SYNDROME, TYPE I; Marfan syndrome type 1; Marfan's syndrome; Marfan syndrome, classic; FBN1-Related Marfan Syndrome. Identifiers: Orphanet 284963, Orphanet 558, MedGen C0024796, MONDO:0007947, OMIM 154700.
Familial thoracic aortic aneurysm and aortic dissection (TAAD). Also called: Thoracic aortic aneurysms and dissections. Identifiers: Orphanet 91387, MedGen C4707243, MONDO:0019625.

Submission:

Labcorp Genetics (formerly Invitae), Labcorp
Classification: Pathogenic for Marfan syndrome; Familial thoracic aortic aneurysm and aortic dissection. Last evaluated: 2021-05-27. Review status: criteria provided, single submitter. Criteria: Invitae Variant Classification Sherloc (09022015). Collection method: clinical testing. Allele origin: germline.
Comment: This sequence change creates a premature translational stop signal (p.Ser2833Argfs*13) in the FBN1 gene. While this is not anticipated to result in nonsense mediated decay, it is expected to disrupt the last 39 amino acid(s) of the FBN1 protein. This variant is not present in population databases (ExAC no frequency). This variant has not been reported in the literature in individuals with FBN1-related conditions. This variant disrupts the C-terminus of the FBN1 protein. Other variant(s) that disrupt this region (p.Q2867*) have been determined to be pathogenic (PMID: 19293843). This suggests that variants that disrupt this region of the protein are likely to be causative of disease. For these reasons, this variant has been classified as Pathogenic.

Literature cited by the submitters: PubMed 19293843.

NM_000138.5(FBN1):c.8499del (p.Ser2833fs)

Gene: FBN1 (fibrillin 1; minus strand). Cytogenetic location: 15q21.1.
Variant type: Deletion.
Coding change: c.8499del on transcript NM_000138.5 (MANE Select); coding-DNA position 8499, one base deleted (T; older notation c.8499delT).
Protein change: p.Ser2833fs; shifts the reading frame from serine 2833.
Molecular consequence: frameshift variant.
Genome position (GRCh38, 1-based): chr15:48,411,107, A deleted on the plus strand (T on the coding strand, the reverse complement: FBN1 is on the minus strand). VCF-style (leftmost placement, unchanged base first): chr15-48411106-TA-T. GRCh37 (hg19) VCF-style: chr15-48703303-TA-T.
Other names: short protein forms S2833fs.
Identifiers: ClinVar variation 1453783 (VCV001453783.8), dbSNP rs2141209667, ClinGen allele CA2573150915.